The following is an entry in ClinVar:

NM_001286445.3(RIPOR2):c.2173G>A (p.Val725Ile)

Gene: RIPOR2 (RHO family interacting cell polarization regulator 2; minus strand). Cytogenetic location: 6p22.3.
Variant type: single nucleotide variant.
Coding change: c.2173G>A on transcript NM_001286445.3 (MANE Select); coding-DNA position 2173, G replaced by A.
Protein change: p.Val725Ile; replaces valine 725 with isoleucine.
Molecular consequence: missense variant.
Genome position (GRCh38, 1-based): chr6:24,835,738, C>T on the plus strand (G>A on the coding strand, the complement: RIPOR2 is on the minus strand). VCF-style: chr6-24835738-C-T. GRCh37 (hg19) VCF-style: chr6-24835966-C-T.
Other names: c.2236G>A (NM_014722.4, NM_014722.3, NM_014722.2); c.2086G>A, p.Val696Ile (NM_001346031.2, NM_001346032.2); c.2236G>A, p.Val746Ile (NM_014722.5); short protein forms V746I, V725I, V696I.
Identifiers: ClinVar variation 1961494 (VCV001961494.8), dbSNP rs1210578940, ClinGen allele CA362992383.

ClinVar aggregate classification (germline): Conflicting classifications of pathogenicity. Review status: criteria provided, conflicting classifications (1 of 4 stars). 4 submissions from 4 submitters: Uncertain significance (3); Likely benign (1). Last evaluated 2025-02-20.

Conditions:
RIPOR2-related disorder. Also called: RIPOR2-related condition.

Allele frequency attached by ClinVar (database versions not stated): gnomAD exomes 0.00001; gnomAD 0.00002.
gnomAD v4.1: 23 of 1,551,498 alleles (0.0015%); highest among the groups gnomAD compares: South Asian, 0.0036%; no homozygotes.

Submissions (4):

Ambry Genetics
Classification: Likely benign. Last evaluated: 2025-02-20. Review status: criteria provided, single submitter. Criteria: Ambry Variant Classification Scheme 2023. Collection method: clinical testing. Allele origin: germline.

PreventionGenetics, part of Exact Sciences
Classification: Uncertain significance for RIPOR2-related condition. Last evaluated: 2023-08-10. Review status: criteria provided, single submitter. Criteria: ACMG Guidelines, 2015. Collection method: clinical testing. Allele origin: germline.
Comment: The RIPOR2 c.2236G>A variant is predicted to result in the amino acid substitution p.Val746Ile. To our knowledge, this variant has not been reported in the literature. This variant is reported in 0.0080% of alleles in individuals of East Asian descent in gnomAD. At this time, the clinical significance of this variant is uncertain due to the absence of conclusive functional and genetic evidence.

Labcorp Genetics (formerly Invitae), Labcorp
Classification: Uncertain significance. Last evaluated: 2022-09-23. Review status: criteria provided, single submitter. Criteria: Invitae Variant Classification Sherloc (09022015). Collection method: clinical testing. Allele origin: germline.
Comment: This sequence change replaces valine, which is neutral and non-polar, with isoleucine, which is neutral and non-polar, at codon 746 of the FAM65B protein (p.Val746Ile). This variant is present in population databases (no rsID available, gnomAD 0.008%). This variant has not been reported in the literature in individuals affected with FAM65B-related conditions. Algorithms developed to predict the effect of missense changes on protein structure and function output the following: SIFT: "Tolerated"; PolyPhen-2: "Benign"; Align-GVGD: "Class C0". The isoleucine amino acid residue is found in multiple mammalian species, which suggests that this missense change does not adversely affect protein function. In summary, the available evidence is currently insufficient to determine the role of this variant in disease. Therefore, it has been classified as a Variant of Uncertain Significance.

GeneDx
Classification: Uncertain significance. Last evaluated: 2022-01-18. Review status: criteria provided, single submitter. Criteria: GeneDx Variant Classification Process June 2021. Collection method: clinical testing. Allele origin: germline. Affected: yes.
Comment: Not observed at significant frequency in large population cohorts (gnomAD); In silico analysis, which includes protein predictors and evolutionary conservation, supports that this variant does not alter protein structure/function; Has not been previously published as pathogenic or benign to our knowledge; Variants in candidate genes are classified as variants of uncertain significance in accordance with ACMG guidelines (Richards et al., 2015)